The following is an entry in ClinVar:

ClinVar aggregate classification (germline): Pathogenic/Likely pathogenic. Review status: criteria provided, multiple submitters, no conflicts (2 of 4 stars). 5 submissions from 5 submitters: Pathogenic (4); Likely pathogenic (1). Last evaluated 2026-03-09.

Conditions:
Thrombotic thrombocytopenic purpura. Also called: Moschowitz syndrome; Moschkowitz Disease. Identifiers: Orphanet 54057, MedGen C0034155, MONDO:0018896.
Upshaw-Schulman syndrome (TTP). Also called: Congenital thrombotic thrombocytopenic purpura; THROMBOTIC THROMBOCYTOPENIC PURPURA, HEREDITARY. Identifiers: Orphanet 93583, MedGen C1268935, MONDO:0010122, OMIM 274150.

Allele frequency attached by ClinVar (database versions not stated): gnomAD exomes 0.00001 and 0.00004; ExAC 0.00002; gnomAD 0.00007 and 0.00008; TOPMed 0.00009; 1000 Genomes Project 30x 0.00016; 1000 Genomes Project 0.00020.
gnomAD v4.1: 31 of 1,613,472 alleles (0.0019%); highest among the groups gnomAD compares: Admixed American, 0.025%; no homozygotes.

Submissions (5):

Women's Health and Genetics/Laboratory Corporation of America, LabCorp
Classification: Pathogenic for Thrombotic thrombocytopenic purpura. Last evaluated: 2026-03-09. Review status: criteria provided, single submitter. Criteria: LabCorp Variant Classification Summary - May 2015. Collection method: clinical testing. Allele origin: germline.
Comment: Variant summary: ADAMTS13 c.3650T>C (p.Ile1217Thr) results in a non-conservative amino acid change in the encoded protein sequence. Algorithms developed to predict the effect of missense changes on protein structure and function are either unavailable or do not agree on the potential impact of this missense change. The variant allele was found at a frequency of 4e-05 in 250926 control chromosomes (gnomAD). This frequency is not significantly higher than estimated for disease-causing variants in ADAMTS13, allowing no conclusion about variant significance. c.3650T>C has been observed in multiple individuals affected with Thrombotic Thrombocytopenic Purpura (e.g. Park_2008, Mise_2013, Perez-Rodriguez_2014, Kim_2016, Li_2019). These data indicate that the variant is very likely to be associated with disease. At least one publication reports experimental evidence evaluating an impact on protein expression, finding a lack of plasma ADAMTS13 protein in a cells transfected with the variant in the compound heterozygous state with a framshift variant (Perez-Rodriguez_2014). The following publications have been ascertained in the context of this evaluation (PMID: 18481107, 23870247, 25242241, 26085195, 31874663). ClinVar contains an entry for this variant (Variation ID: 1343360). Based on the evidence outlined above, the variant was classified as pathogenic.

Labcorp Genetics (formerly Invitae), Labcorp
Classification: Pathogenic. Last evaluated: 2026-01-11. Review status: criteria provided, single submitter. Criteria: Invitae Variant Classification Sherloc (09022015). Collection method: clinical testing. Allele origin: germline.
Comment: This sequence change replaces isoleucine, which is neutral and non-polar, with threonine, which is neutral and polar, at codon 1217 of the ADAMTS13 protein (p.Ile1217Thr). This variant is present in population databases (rs200847393, gnomAD 0.02%). This missense change has been observed in individual(s) with thrombotic thrombocytopenic purpura (PMID: 18481107, 23870247, 26085195, 30792199, 31874663). In at least one individual the data is consistent with being in trans (on the opposite chromosome) from a pathogenic variant. ClinVar contains an entry for this variant (Variation ID: 1343360). An algorithm developed to predict the effect of missense changes on protein structure and function (PolyPhen-2) suggests that this variant is likely to be disruptive. For these reasons, this variant has been classified as Pathogenic.

Variantyx, Inc.
Classification: Likely pathogenic for Upshaw-Schulman syndrome. Last evaluated: 2025-09-12. Review status: criteria provided, single submitter. Criteria: Variantyx Assertion Criteria 2022. Collection method: clinical testing. Allele origin: germline. Inheritance: Autosomal recessive inheritance. Affected: no.
Comment: This is a nonsynonymous variant in the ADAMTS13 gene (OMIM: 604134). Pathogenic variants in this gene have been associated with autosomal recessive hereditary thrombotic thrombocytopenic purpura. This variant has been identified in the homozygous or compound heterozygous state in at least four individuals reported in the published literature (PMID: 31874663, 30792199, 26085195, 23870247, 18481107)(PM3_Strong). Functional studies have shown that this variant alters ADAMTS13 protein function (PMID: 26085195, 18481107, 25057114, 23870247) (PS3_Moderate), and multiple computational algorithms predict a deleterious effect for this variant (REVEL score: 0.651) (PP3). This variant has a 0.0250% maximum allele frequency in non-founder control populations (PM2). Based on the current evidence, this variant is classified as likely pathogenic for autosomal recessive hereditary thrombotic thrombocytopenic purpura.

Mayo Clinic Laboratories, Mayo Clinic
Classification: Pathogenic. Last evaluated: 2025-05-14. Review status: criteria provided, single submitter. Criteria: ACMG Guidelines, 2015. Collection method: clinical testing. Allele origin: germline. Observed: 2 variant alleles.
Comment: PP1, PP3, PM3_very_strong

Fulgent Genetics
Classification: Pathogenic for Upshaw-Schulman syndrome. Last evaluated: 2024-01-11. Review status: criteria provided, single submitter. Criteria: ACMG Guidelines, 2015. Collection method: clinical testing. Allele origin: germline.

Literature cited by the submitters: PubMed 26085195 (cited by 4 submitters); PubMed 31874663 (cited by 4 submitters); PubMed 23870247 (cited by 4 submitters); PubMed 18481107 (cited by 4 submitters); PubMed 25242241 (cited by Women's Health and Genetics/Laboratory Corporation of America, LabCorp); PubMed 30792199 (cited by 3 submitters); PubMed 25057114 (cited by Variantyx, Inc. and Mayo Clinic Laboratories, Mayo Clinic); PubMed 23346910 (cited by Mayo Clinic Laboratories, Mayo Clinic); PubMed 24942015 (cited by Mayo Clinic Laboratories, Mayo Clinic); PubMed 34789164 (cited by Mayo Clinic Laboratories, Mayo Clinic).

NM_139027.6(ADAMTS13):c.3482T>C (p.Ile1161Thr)

Gene: ADAMTS13 (ADAM metallopeptidase with thrombospondin type 1 motif 13; plus strand). Cytogenetic location: 9q34.2.
Variant type: single nucleotide variant.
Coding change: c.3482T>C on transcript NM_139027.6 (MANE Select); coding-DNA position 3482, T replaced by C.
Protein change: p.Ile1161Thr; replaces isoleucine 1161 with threonine.
Molecular consequence: missense variant. On other transcripts: non-coding transcript variant (1).
Genome position (GRCh38, 1-based): chr9:133,456,150, T>C. VCF-style: chr9-133456150-T-C. GRCh37 (hg19) VCF-style: chr9-136321272-T-C.
Other names: p.Ile1217Thr; c.3650T>C, p.Ile1217Thr (NM_139025.5); c.3389T>C, p.Ile1130Thr (NM_139026.6); short protein forms I1130T, I1161T, I1217T.
Identifiers: ClinVar variation 1343360 (VCV001343360.11), dbSNP rs200847393, ClinGen allele CA200944792.